The following is an entry in ClinVar:

ClinVar aggregate classification (germline): Uncertain significance (1 of 4 stars; one submission).

Submission:

Women's Health and Genetics/Laboratory Corporation of America, LabCorp
Classification: Uncertain significance. Last evaluated: 2024-07-12. Review status: criteria provided, single submitter. Criteria: LabCorp Variant Classification Summary - May 2015. Collection method: clinical testing. Allele origin: germline.
Comment: Variant summary: DYNC1H1 c.8101G>A (p.Val2701Met) results in a conservative amino acid change located in the AAA+ ATPase domain (IPR003593) of the encoded protein sequence. Three of five in-silico tools predict a damaging effect of the variant on protein function. The variant was absent in 251496 control chromosomes (gnomAD). The available data on variant occurrences in the general population are insufficient to allow any conclusion about variant significance. To our knowledge, no occurrence of c.8101G>A in individuals affected with DYNC1H1-Related Disorders and no experimental evidence demonstrating its impact on protein function have been reported. No submitters have cited clinical-significance assessments for this variant to ClinVar. Based on the evidence outlined above, the variant was classified as uncertain significance.

NM_001376.5(DYNC1H1):c.8101G>A (p.Val2701Met)

Gene: DYNC1H1 (dynein cytoplasmic 1 heavy chain 1; plus strand). Cytogenetic location: 14q32.31.
Variant type: single nucleotide variant.
Coding change: c.8101G>A on transcript NM_001376.5 (MANE Select); coding-DNA position 8101, G replaced by A.
Protein change: p.Val2701Met; replaces valine 2701 with methionine.
Molecular consequence: missense variant.
Genome position (GRCh38, 1-based): chr14:102,017,428, G>A. VCF-style: chr14-102017428-G-A. GRCh37 (hg19) VCF-style: chr14-102483765-G-A.
Other names: short protein forms V2701M.
Identifiers: ClinVar variation 3338922 (VCV003338922.1).